The following is an entry in ClinVar:

ClinVar aggregate classification (germline): Pathogenic (1 of 4 stars; one submission).

Conditions:
Congenital hyperammonemia, type I. Also called: Carbamoyl phosphate synthetase 1 deficiency; Hyperammonemia due to carbamoyl phosphate synthetase 1 deficiency; CPS 1 deficiency; Carbamyl phosphate synthetase (CPS) deficiency; Carbamoyl-phosphate synthase I deficiency; CPS I DEFICIENCY. Identifiers: Orphanet 147, MedGen C4082171, MONDO:0009376, OMIM 237300.

Submission:

Labcorp Genetics (formerly Invitae), Labcorp
Classification: Pathogenic for Congenital hyperammonemia, type I. Last evaluated: 2022-05-03. Review status: criteria provided, single submitter. Criteria: Invitae Variant Classification Sherloc (09022015). Collection method: clinical testing. Allele origin: germline.
Comment: This variant is not present in population databases (gnomAD no frequency). This sequence change creates a premature translational stop signal (p.Lys42Argfs*15) in the CPS1 gene. It is expected to result in an absent or disrupted protein product. Loss-of-function variants in CPS1 are known to be pathogenic (PMID: 21120950). This premature translational stop signal has been observed in individual(s) with clinical features of carbamoyl phosphate synthetase I deficiency (PMID: 21120950). For these reasons, this variant has been classified as Pathogenic.

Literature cited by the submitters: PubMed 21120950.

NM_001875.5(CPS1):c.125del (p.Lys42fs)

Gene: CPS1 (carbamoyl-phosphate synthase 1; plus strand). Cytogenetic location: 2q34.
Variant type: Deletion.
Coding change: c.125del on transcript NM_001875.5 (MANE Select); coding-DNA position 125, one base deleted (A; older notation c.125delA).
Protein change: p.Lys42fs; shifts the reading frame from lysine 42.
Molecular consequence: frameshift variant. On other transcripts: non-coding transcript variant (1).
Genome position (GRCh38, 1-based): chr2:210,556,858, A deleted; the last of 2 consecutive A bases (chr2:210,556,857-210,556,858); deleting either gives the same sequence. VCF-style (leftmost placement, unchanged base first): chr2-210556856-CA-C. GRCh37 (hg19) VCF-style: chr2-211421580-CA-C.
Other names: c.125del, p.Lys42fs (NM_001122633.3, NM_001369257.1); c.158del, p.Lys53fs (NM_001369256.1); short protein forms K42fs, K53fs.
Identifiers: ClinVar variation 2203246 (VCV002203246.4), dbSNP rs2469040241, ClinGen allele CA2580065526.